The following is an entry in ClinVar:

NM_006885.4(ZFHX3):c.5410A>G (p.Ser1804Gly)

Genes: ZFHX3 (zinc finger homeobox 3; minus strand), ZFHX3-AS1 (ZFHX3 antisense RNA 1; plus strand). Cytogenetic location: 16q22.2.
Variant type: single nucleotide variant.
Coding change: c.5410A>G on transcript NM_006885.4 (MANE Select); coding-DNA position 5410, A replaced by G.
Protein change: p.Ser1804Gly; replaces serine 1804 with glycine.
Molecular consequence: missense variant.
Genome position (GRCh38, 1-based): chr16:72,797,272, T>C on the plus strand (A>G on the coding strand, the complement: ZFHX3 is on the minus strand). VCF-style: chr16-72797272-T-C. GRCh37 (hg19) VCF-style: chr16-72831171-T-C.
Other names: c.2668A>G, p.Ser890Gly (NM_001164766.2); c.5410A>G, p.Ser1804Gly (NM_001386735.1); short protein forms S1804G, S890G.
Identifiers: ClinVar variation 3342785 (VCV003342785.1).

ClinVar aggregate classification (germline): Uncertain significance (1 of 4 stars; one submission).

gnomAD v4.1: 2 of 1,611,558 alleles (0.00012%); highest among the groups gnomAD compares: African/African-American, 0.0027%; no homozygotes.

Submission:

GeneDx
Classification: Uncertain significance. Last evaluated: 2023-01-11. Review status: criteria provided, single submitter. Criteria: GeneDx Variant Classification Process June 2021. Collection method: clinical testing. Allele origin: germline. Affected: yes.
Comment: Not observed at significant frequency in large population cohorts (gnomAD); In silico analysis supports that this missense variant does not alter protein structure/function; Has not been previously published as pathogenic or benign to our knowledge; Variants in candidate genes are classified as variants of uncertain significance in accordance with ACMG guidelines (Richards et al., 2015)